The following is an entry in ClinVar:

ClinVar aggregate classification (germline): Pathogenic (1 of 4 stars; one submission).

Submission:

Labcorp Genetics (formerly Invitae), Labcorp
Classification: Pathogenic. Last evaluated: 2023-12-30. Review status: criteria provided, single submitter. Criteria: Invitae Variant Classification Sherloc (09022015). Collection method: clinical testing. Allele origin: germline.
Comment: This sequence change creates a premature translational stop signal (p.Phe1318Serfs*3) in the DUOX2 gene. It is expected to result in an absent or disrupted protein product. Loss-of-function variants in DUOX2 are known to be pathogenic (PMID: 12110737, 18765513, 21565790, 24423310, 24735383). This variant is not present in population databases (gnomAD no frequency). This variant has not been reported in the literature in individuals affected with DUOX2-related conditions. Algorithms developed to predict the effect of sequence changes on RNA splicing suggest that this variant may disrupt the consensus splice site. For these reasons, this variant has been classified as Pathogenic.

Literature cited by the submitters: PubMed 12110737; PubMed 18765513; PubMed 21565790; PubMed 24423310; PubMed 24735383.

NM_001363711.2(DUOX2):c.3953del (p.Phe1318fs)

Gene: DUOX2 (dual oxidase 2; minus strand). Cytogenetic location: 15q21.1.
Variant type: Deletion.
Coding change: c.3953del on transcript NM_001363711.2 (MANE Select); coding-DNA position 3953, one base deleted (T; older notation c.3953delT).
Protein change: p.Phe1318fs; shifts the reading frame from phenylalanine 1318.
Molecular consequence: frameshift variant.
Genome position (GRCh38, 1-based): chr15:45,095,955, A deleted on the plus strand (T on the coding strand, the reverse complement: DUOX2 is on the minus strand); the first of 2 consecutive A bases (chr15:45,095,955-45,095,956); deleting either gives the same sequence. VCF-style (leftmost placement, unchanged base first): chr15-45095954-GA-G. GRCh37 (hg19) VCF-style: chr15-45388152-GA-G.
Other names: c.3953del, p.Phe1318fs (NM_014080.5); short protein forms F1318fs.
Identifiers: ClinVar variation 2788771 (VCV002788771.3), dbSNP rs2504740514, ClinGen allele CA2739278649.